The following is an entry in ClinVar:

NM_000081.4(LYST):c.2710G>T (p.Val904Leu)

Gene: LYST (lysosomal trafficking regulator; minus strand). Cytogenetic location: 1q42.3.
Variant type: single nucleotide variant.
Coding change: c.2710G>T on transcript NM_000081.4 (MANE Select); coding-DNA position 2710, G replaced by T.
Protein change: p.Val904Leu; replaces valine 904 with leucine.
Molecular consequence: missense variant.
Genome position (GRCh38, 1-based): chr1:235,806,426, C>A on the plus strand (G>T on the coding strand, the complement: LYST is on the minus strand). VCF-style: chr1-235806426-C-A. GRCh37 (hg19) VCF-style: chr1-235969726-C-A.
Other names: c.2710G>T, p.Val904Leu (NM_001301365.1); short protein forms V904L.
Identifiers: ClinVar variation 1383375 (VCV001383375.5), dbSNP rs2527081273, ClinGen allele CA344955761.
Genomic context (GRCh38, chr1:235,806,426, plus strand): 5'-CTGAGTCATTGGCCGACTCCCTGTCAGACTCTGCTTCTTTACTTACGCATAAAAAAGCCA[C>A]ACAGAGGAATAGGTTTATTGTGTTGATATGAACATCTTGGTTAACAGTCTTCCGTCTCTT-3'
Protein context (NP_000072.2, residues 894-914): HINTINLFLC[Val904Leu]AFLCVSKEAE

ClinVar aggregate classification (germline): Uncertain significance (1 of 4 stars; one submission).

Conditions:
Chédiak-Higashi syndrome (CHS). Also called: Chediak-Higashi Syndrome. Identifiers: Orphanet 167, MedGen C0007965, MONDO:0008963, OMIM 214500.

Submission:

Labcorp Genetics (formerly Invitae), Labcorp
Classification: Uncertain significance for Chédiak-Higashi syndrome. Last evaluated: 2022-09-06. Review status: criteria provided, single submitter. Criteria: Invitae Variant Classification Sherloc (09022015). Collection method: clinical testing. Allele origin: germline.
Comment: In summary, the available evidence is currently insufficient to determine the role of this variant in disease. Therefore, it has been classified as a Variant of Uncertain Significance. Algorithms developed to predict the effect of missense changes on protein structure and function (SIFT, PolyPhen-2, Align-GVGD) all suggest that this variant is likely to be tolerated. ClinVar contains an entry for this variant (Variation ID: 1383375). This variant has not been reported in the literature in individuals affected with LYST-related conditions. This variant is not present in population databases (gnomAD no frequency). This sequence change replaces valine, which is neutral and non-polar, with leucine, which is neutral and non-polar, at codon 904 of the LYST protein (p.Val904Leu).